The following is an entry in ClinVar:

NM_001754.5(RUNX1):c.96C>T (p.His32=)

Gene: RUNX1 (RUNX family transcription factor 1; minus strand). Cytogenetic location: 21q22.12.
Variant type: single nucleotide variant.
Coding change: c.96C>T on transcript NM_001754.5 (MANE Select); coding-DNA position 96, C replaced by T.
Protein change: p.His32=; no amino-acid change (histidine 32 retained).
Molecular consequence: synonymous variant.
Genome position (GRCh38, 1-based): chr21:34,892,926, G>A on the plus strand (C>T on the coding strand, the complement: RUNX1 is on the minus strand). VCF-style: chr21-34892926-G-A. GRCh37 (hg19) VCF-style: chr21-36265223-G-A.
Other names: NM_001754.5(RUNX1):c.96C>T; c.96C>T (NM_001754.4).
Identifiers: ClinVar variation 415836 (VCV000415836.14), dbSNP rs748758482, ClinGen allele CA10014630.

ClinVar aggregate classification (germline): Likely benign. Review status: reviewed by expert panel (3 of 4 stars). 3 submissions from 3 submitters: Likely benign (1). 2 of the submissions do not count toward it. Last evaluated 2025-03-26.

Conditions:
Inborn genetic diseases. Identifiers: MedGen C0950123, MeSH D030342.
Hereditary thrombocytopenia and hematologic cancer predisposition syndrome. Identifiers: Orphanet 71290, MedGen CN281654, MONDO:0011071.
Hereditary thrombocytopenia and hematological cancer predisposition syndrome associated with RUNX1. Also called: Familial Platelet Disorder with Propensity to Acute Myelogenous Leukemia; Familial thrombocytopenia with propensity to acute myelogenous leukemia; PLATELET DISORDER, ASPIRIN-LIKE; RUNX1 Familial Platelet Disorder with Associated Myeloid Malignancies. Identifiers: Orphanet 71290, MedGen C1832388, MeSH C563324, MONDO:0100083, OMIM 601399.

Allele frequency attached by ClinVar (database versions not stated): ExAC 0.00002; gnomAD exomes 0.00002.
gnomAD v4.1: 5 of 1,552,032 alleles (0.00032%); highest among the groups gnomAD compares: Admixed American, 0.005%; no homozygotes.

Submissions (3):

ClinGen Myeloid Malignancy Variant Curation Expert Panel
Classification: Likely benign for Hereditary thrombocytopenia and hematologic cancer predisposition syndrome. Last evaluated: 2025-03-26. Review status: reviewed by expert panel. Criteria: ClinGen MyeloMalig ACMG Specifications v2. Collection method: curation. Allele origin: germline. Inheritance: Autosomal dominant inheritance.
Comment: NM_001754.5(RUNX1):c.96C>T (p.His32=) is a synonymous variant which has a SpliceAI score ≤ 0.20 (0.09) and evolutionary conservation algorithms predict the site as not being conserved (PhyloP score ≤ 2.0 [-0.498]) (BP4, BP7). In summary, this variant meets criteria to be classified as likely benign. ACMG/AMP criteria applied, as specified by the Myeloid Malignancy Variant Curation Expert Panel for RUNX1: BP4, BP7.

Ambry Genetics
Classification: Likely benign for Inborn genetic diseases. Last evaluated: 2024-11-23. Review status: criteria provided, single submitter. Criteria: Ambry Variant Classification Scheme 2023. Collection method: clinical testing. Allele origin: germline. Not counted in ClinVar's aggregate classification.

Labcorp Genetics (formerly Invitae), Labcorp
Classification: Likely benign for Hereditary thrombocytopenia and hematological cancer predisposition syndrome associated with RUNX1. Last evaluated: 2024-05-22. Review status: criteria provided, single submitter. Criteria: Invitae Variant Classification Sherloc (09022015). Collection method: clinical testing. Allele origin: germline. Not counted in ClinVar's aggregate classification.